The following is an entry in ClinVar:

NM_001719.3(BMP7):c.-145G>A

Genes: BMP7 (bone morphogenetic protein 7; minus strand), LOC109461473 (BMP7 promoter region; plus strand). Cytogenetic location: 20q13.31.
Variant type: single nucleotide variant.
Coding change: c.-145G>A on transcript NM_001719.3 (MANE Select); 145 bases upstream of the start codon, G replaced by A.
Molecular consequence: 5 prime UTR variant.
Genome position (GRCh38, 1-based): chr20:57,266,267, C>T on the plus strand (G>A on the coding strand, the complement: BMP7 is on the minus strand). VCF-style: chr20-57266267-C-T. GRCh37 (hg19) VCF-style: chr20-55841323-C-T.
Identifiers: ClinVar variation 2498886 (VCV002498886.28), dbSNP rs768268257, ClinGen allele CA316820075.
Genomic context (GRCh38, chr20:57,266,267, plus strand): 5'-CCGCTCGGTCACTTGCTGCAGACGGGCCCCGCTGCGCCCGCGCCAGACATGGCCCCTCCC[C>T]GGCCGGCCGCGCTCTGCCCGGACCCCCGCCCCCTGCTCGGTGCTGGCCCCGGGCCCCTCG-3'

ClinVar aggregate classification (germline): Likely benign (1 of 4 stars; one submission).

Allele frequency attached by ClinVar (database versions not stated): 1000 Genomes Project 30x 0.00187.
gnomAD v4.1: 2,682 of 771,752 alleles (0.35%); highest among the groups gnomAD compares: Admixed American, 0.43%; 9 homozygotes.

Submission:

CeGaT Center for Human Genetics Tuebingen
Classification: Likely benign. Last evaluated: 2023-05-01. Review status: criteria provided, single submitter. Criteria: CeGaT Center For Human Genetics Tuebingen Variant Classification Criteria Version 2. Collection method: clinical testing. Allele origin: germline. Affected: yes. Observed: 3 variant alleles.
Comment: BMP7: BS2